The following is an entry in ClinVar:

ClinVar aggregate classification (germline): Uncertain significance (1 of 4 stars; one submission).

Conditions:
Hereditary cancer-predisposing syndrome. Also called: Neoplastic Syndromes, Hereditary; Tumor predisposition; Hereditary neoplastic syndrome; Hereditary Cancer Syndrome. Identifiers: Orphanet 140162, MedGen C0027672, MeSH D009386, MONDO:0015356.

gnomAD v4.1: 1 of 1,613,722 alleles (0.000062%); highest among the groups gnomAD compares: African/African-American, 0.0013%; no homozygotes.

Submission:

Ambry Genetics
Classification: Uncertain significance for Hereditary cancer-predisposing syndrome. Last evaluated: 2026-08-31. Review status: criteria provided, single submitter. Criteria: Ambry Variant Classification Scheme 2023. Collection method: clinical testing. Allele origin: germline.
Comment: The p.E514A variant (also known as c.1541A>C) is located in coding exon 10 of the KIT gene. The glutamic acid at codon 514 is replaced by alanine, an amino acid with dissimilar properties. This change occurs in the first base pair of coding exon 10. This amino acid position is conserved. In addition, the in silico prediction for this alteration is inconclusive. Based on the available evidence, the clinical significance of this variant remains unclear.

NM_000222.3(KIT):c.1541A>C (p.Glu514Ala)

Gene: KIT (KIT proto-oncogene, receptor tyrosine kinase; plus strand). Cytogenetic location: 4q12.
Variant type: single nucleotide variant.
Coding change: c.1541A>C on transcript NM_000222.3 (MANE Select); coding-DNA position 1541, A replaced by C.
Protein change: p.Glu514Ala; replaces glutamic acid 514 with alanine.
Molecular consequence: missense variant.
Genome position (GRCh38, 1-based): chr4:54,727,218, A>C. VCF-style: chr4-54727218-A-C. GRCh37 (hg19) VCF-style: chr4-55593384-A-C.
Other names: c.1529A>C, p.Glu510Ala (NM_001093772.2, NM_001385286.1); c.1544A>C, p.Glu515Ala (NM_001385284.1, NM_001385290.1); c.1541A>C, p.Glu514Ala (NM_001385285.1); c.1532A>C, p.Glu511Ala (NM_001385288.1, NM_001385292.1); short protein forms E510A, E514A, E515A, E511A.
Identifiers: ClinVar variation 5023342 (VCV005023342.1).